The following is an entry in ClinVar:

NM_201384.3(PLEC):c.8395C>G (p.Arg2799Gly)

Gene: PLEC (plectin; minus strand). Cytogenetic location: 8q24.3.
Variant type: single nucleotide variant.
Coding change: c.8395C>G on transcript NM_201384.3 (MANE Select); coding-DNA position 8395, C replaced by G.
Protein change: p.Arg2799Gly; replaces arginine 2799 with glycine.
Molecular consequence: missense variant.
Genome position (GRCh38, 1-based): chr8:143,921,426, G>C on the plus strand (C>G on the coding strand, the complement: PLEC is on the minus strand). VCF-style: chr8-143921426-G-C. GRCh37 (hg19) VCF-style: chr8-144995594-G-C.
Other names: c.8476C>G, p.Arg2826Gly (NM_000445.5); c.5095C>G, p.Arg1699Gly (NM_001410941.1); c.8353C>G, p.Arg2785Gly (NM_201378.4); c.8329C>G, p.Arg2777Gly (NM_201379.3); c.8806C>G, p.Arg2936Gly (NM_201380.4); c.8299C>G, p.Arg2767Gly (NM_201381.3); c.8395C>G, p.Arg2799Gly (NM_201382.4); c.8407C>G, p.Arg2803Gly (NM_201383.3); short protein forms R2777G, R2799G, R2826G, R2785G, R2803G, R2936G, R2767G, R1699G.
Identifiers: ClinVar variation 1967452 (VCV001967452.5), dbSNP rs561686703, ClinGen allele CA372516124.

ClinVar aggregate classification (germline): Uncertain significance (1 of 4 stars; one submission).

Conditions:
Epidermolysis bullosa simplex 5B, with muscular dystrophy (EBS5B). Also called: Epidermolysis bullosa simplex with muscular dystrophy; EPIDERMOLYSIS BULLOSA SIMPLEX AND LIMB-GIRDLE MUSCULAR DYSTROPHY. Identifiers: Orphanet 257, MedGen C2931072, MONDO:0009181, OMIM 226670.
Epidermolysis bullosa simplex, Ogna type (EBS5A). Also called: Pidermolysis bullosa simplex 5A, Ogna type; EPIDERMOLYSIS BULLOSA SIMPLEX 5A, OGNA TYPE. Identifiers: Orphanet 79401, MedGen C0432317, MONDO:0007555, OMIM 131950.
Epidermolysis bullosa simplex 5C, with pyloric atresia (EBS5C). Also called: Epidermolysis bullosa simplex with pyloric atresia; PLEC-Related Epidermolysis Bullosa with Pyloric Atresia; PLEC1-Related Epidermolysis Bullosa with Pyloric Atresia. Identifiers: Orphanet 158684, MedGen C2677349, MONDO:0012807, OMIM 612138.
Autosomal recessive limb-girdle muscular dystrophy type 2Q (LGMDR17). Also called: MUSCULAR DYSTROPHY, LIMB-GIRDLE, AUTOSOMAL RECESSIVE 17. Identifiers: Orphanet 254361, MedGen C3150989, MONDO:0013390, OMIM 613723.
Epidermolysis bullosa simplex with nail dystrophy (EBS5D). Identifiers: MedGen C4225309, MONDO:0014661, OMIM 616487.

gnomAD v4.1: 1 of 1,613,390 alleles (0.000062%); no homozygotes.

Submission:

Labcorp Genetics (formerly Invitae), Labcorp
Classification: Uncertain significance for Autosomal recessive limb-girdle muscular dystrophy type 2Q; Epidermolysis bullosa simplex, Ogna type; Epidermolysis bullosa simplex with nail dystrophy; Epidermolysis bullosa simplex 5C, with pyloric atresia; Epidermolysis bullosa simplex 5B, with muscular dystrophy. Last evaluated: 2022-08-05. Review status: criteria provided, single submitter. Criteria: Invitae Variant Classification Sherloc (09022015). Collection method: clinical testing. Allele origin: germline.
Comment: Algorithms developed to predict the effect of missense changes on protein structure and function are either unavailable or do not agree on the potential impact of this missense change (SIFT: "Deleterious"; PolyPhen-2: "Possibly Damaging"; Align-GVGD: "Class C15"). This sequence change replaces arginine, which is basic and polar, with glycine, which is neutral and non-polar, at codon 2826 of the PLEC protein (p.Arg2826Gly). This variant is not present in population databases (gnomAD no frequency). This variant has not been reported in the literature in individuals affected with PLEC-related conditions. In summary, the available evidence is currently insufficient to determine the role of this variant in disease. Therefore, it has been classified as a Variant of Uncertain Significance.